The following is an entry in ClinVar:

ClinVar aggregate classification (germline): Uncertain significance (1 of 4 stars; one submission).

Conditions:
Familial intrahepatic cholestasis. Identifiers: Orphanet 284385, MedGen CN296401, MONDO:0017290.

Submission:

Genomenon, Inc
Classification: Uncertain significance for Familial intrahepatic cholestasis. Last evaluated: 2026-04-14. Review status: criteria provided, single submitter. Criteria: Genomenon Sequence Variant Interpretation Standards - Updated. Collection method: curation. Allele origin: germline. Affected: yes.
Comment: ABCB4 p.Val1078Glu (c.3233T>A) is a missense variant that changes the amino acid at residue 1078 from Valine to Glutamic acid. This variant has been observed in at least one proband with an ABCB4-related disorder (PMID:37701337). It is absent or not present at a significant frequency in gnomAD. In silico models predict that this variant is possibly or probably damaging. In conclusion, we classify ABCB4 p.Val1078Glu (c.3233T>A) as a variant of uncertain significance.

Literature cited by the submitters: PubMed 37701337.

NM_000443.4(ABCB4):c.3233T>A (p.Val1078Glu)

Gene: ABCB4 (ATP binding cassette subfamily B member 4; minus strand). Cytogenetic location: 7q21.12.
Variant type: single nucleotide variant.
Coding change: c.3233T>A on transcript NM_000443.4 (MANE Select); coding-DNA position 3233, T replaced by A.
Protein change: p.Val1078Glu; replaces valine 1078 with glutamic acid.
Molecular consequence: missense variant.
Genome position (GRCh38, 1-based): chr7:87,408,083, A>T on the plus strand (T>A on the coding strand, the complement: ABCB4 is on the minus strand). VCF-style: chr7-87408083-A-T. GRCh37 (hg19) VCF-style: chr7-87037399-A-T.
Other names: c.3233T>A, p.Val1078Glu (NM_018849.3); c.3092T>A, p.Val1031Glu (NM_018850.3); short protein forms V1031E, V1078E.
Identifiers: ClinVar variation 4846650 (VCV004846650.1).